The following is an entry in ClinVar:

NM_138694.4(PKHD1):c.6512A>G (p.Tyr2171Cys)

Gene: PKHD1 (PKHD1 ciliary IPT domain containing fibrocystin/polyductin; minus strand). Cytogenetic location: 6p12.2.
Variant type: single nucleotide variant.
Coding change: c.6512A>G on transcript NM_138694.4 (MANE Select); coding-DNA position 6512, A replaced by G.
Protein change: p.Tyr2171Cys; replaces tyrosine 2171 with cysteine.
Molecular consequence: missense variant.
Genome position (GRCh38, 1-based): chr6:51,909,453, T>C on the plus strand (A>G on the coding strand, the complement: PKHD1 is on the minus strand). VCF-style: chr6-51909453-T-C. GRCh37 (hg19) VCF-style: chr6-51774251-T-C.
Other names: c.6512A>G, p.Tyr2171Cys (NM_170724.3); short protein forms Y2171C.
Identifiers: ClinVar variation 451614 (VCV000451614.3), dbSNP rs1554132731, ClinGen allele CA364435743.

ClinVar aggregate classification (germline): Uncertain significance (1 of 4 stars; one submission).

Submission:

GeneDx
Classification: Uncertain significance. Last evaluated: 2019-11-05. Review status: criteria provided, single submitter. Criteria: GeneDx Variant Classification Process June 2021. Collection method: clinical testing. Allele origin: germline. Affected: yes.
Comment: Not observed in large population cohorts (Lek et al., 2016); In silico analysis, which includes protein predictors and evolutionary conservation, supports a deleterious effect; Has not been previously published as pathogenic or benign to our knowledge